The following is an entry in ClinVar:

NM_001031710.3(KLHL7):c.353T>C (p.Leu118Pro)

Gene: KLHL7 (kelch like family member 7; plus strand). Cytogenetic location: 7p15.3.
Variant type: single nucleotide variant.
Coding change: c.353T>C on transcript NM_001031710.3 (MANE Select); coding-DNA position 353, T replaced by C.
Protein change: p.Leu118Pro; replaces leucine 118 with proline.
Molecular consequence: missense variant. On other transcripts: non-coding transcript variant (2).
Genome position (GRCh38, 1-based): chr7:23,125,083, T>C. VCF-style: chr7-23125083-T-C. GRCh37 (hg19) VCF-style: chr7-23164702-T-C.
Other names: c.353T>C, p.Leu118Pro (NM_001172428.2); c.209T>C, p.Leu70Pro (NM_018846.5); short protein forms L118P, L70P.
Identifiers: ClinVar variation 4766897 (VCV004766897.1).
Genomic context (GRCh38, chr7:23,125,083, plus strand): 5'-AATATTCCCTCTAACTTATTTGCAGAATTTCCGTGAATAGCAACAATGTTCAGTCTTTGC[T>C]GGATGCAGCAAACCAATATCAGATTGAACCTGTGAAGAAAATGTGTGTTGATTTTTTGAA-3'
Protein context (NP_001026880.2, residues 108-128): SVNSNNVQSL[Leu118Pro]DAANQYQIEP

ClinVar aggregate classification (germline): Uncertain significance (1 of 4 stars; one submission).

Submission:

Labcorp Genetics (formerly Invitae), Labcorp
Classification: Uncertain significance. Last evaluated: 2025-10-14. Review status: criteria provided, single submitter. Criteria: Invitae Variant Classification Sherloc (09022015). Collection method: clinical testing. Allele origin: germline.
Comment: This sequence change replaces leucine, which is neutral and non-polar, with proline, which is neutral and non-polar, at codon 118 of the KLHL7 protein (p.Leu118Pro). This variant is not present in population databases (gnomAD no frequency). This variant has not been reported in the literature in individuals affected with KLHL7-related conditions. An algorithm developed to predict the effect of missense changes on protein structure and function (PolyPhen-2) suggests that this variant is likely to be disruptive. In summary, the available evidence is currently insufficient to determine the role of this variant in disease. Therefore, it has been classified as a Variant of Uncertain Significance.